The following is an entry in ClinVar:

ClinVar aggregate classification (germline): Uncertain significance (1 of 4 stars; one submission).

Submission:

Labcorp Genetics (formerly Invitae), Labcorp
Classification: Uncertain significance. Last evaluated: 2024-07-03. Review status: criteria provided, single submitter. Criteria: Invitae Variant Classification Sherloc (09022015). Collection method: clinical testing. Allele origin: germline.
Comment: This sequence change replaces aspartic acid, which is acidic and polar, with histidine, which is basic and polar, at codon 706 of the NEXMIF protein (p.Asp706His). This variant is not present in population databases (gnomAD no frequency). This variant has not been reported in the literature in individuals affected with NEXMIF-related conditions. An algorithm developed to predict the effect of missense changes on protein structure and function (PolyPhen-2) suggests that this variant is likely to be disruptive. In summary, the available evidence is currently insufficient to determine the role of this variant in disease. Therefore, it has been classified as a Variant of Uncertain Significance.

NM_001008537.3(NEXMIF):c.2116G>C (p.Asp706His)

Gene: NEXMIF (neurite extension and migration factor; minus strand). Cytogenetic location: Xq13.3.
Variant type: single nucleotide variant.
Coding change: c.2116G>C on transcript NM_001008537.3 (MANE Select); coding-DNA position 2116, G replaced by C.
Protein change: p.Asp706His; replaces aspartic acid 706 with histidine.
Molecular consequence: missense variant.
Genome position (GRCh38, 1-based): chrX:74,742,441, C>G on the plus strand (G>C on the coding strand, the complement: NEXMIF is on the minus strand). VCF-style: chrX-74742441-C-G. GRCh37 (hg19) VCF-style: chrX-73962276-C-G.
Other names: short protein forms D706H.
Identifiers: ClinVar variation 3657936 (VCV003657936.2).